The following is an entry in ClinVar:

ClinVar aggregate classification (germline): Likely benign (1 of 4 stars; one submission).

Submission:

GeneDx
Classification: Likely benign. Last evaluated: 2019-10-22. Review status: criteria provided, single submitter. Criteria: GeneDx Variant Classification Process June 2021. Collection method: clinical testing. Allele origin: germline. Affected: yes.
Comment: See Variant Classification Assertion Criteria.

NM_022114.4(PRDM16):c.3697-29_3697-28insGGGATGGCCCGCCCTGCCCACGCGCTCACCTGCCTGTCCGGGATGGCCCGCCCTGCCCACGCGCTCACCTGCCTGTCC

Gene: PRDM16 (PR/SET domain 16; plus strand). Cytogenetic location: 1p36.32.
Variant type: Microsatellite.
Coding change: c.3697-29_3697-28insGGGATGGCCCGCCCTGCCCACGCGCTCACCTGCCTGTCCGGGATGGCCCGCCCTGCCCACGCGCTCACCTGCCTGTCC on transcript NM_022114.4 (MANE Select); 29 bases into the intron before coding-DNA position 3697 through 28 bases into the intron before coding-DNA position 3697, GGGATGGCCCGCCCTGCCCACGCGCTCACCTGCCTGTCCGGGATGGCCCGCCCTGCCCACGCGCTCACCTGCCTGTCC inserted.
Molecular consequence: intron variant.
Genome position: GRCh38, VCF-style position (the base before the change): chr1:3,433,609. GRCh37 (hg19), VCF-style position (the base before the change): chr1:3,350,173.
Other names: c.3697-86_3697-85insGGGATGGCCCGCCCTGCCCACGCGCTCACCTGCCTGTCCGGGATGGCCCGCCCTGCCCACGCGCTCACCTGCCTGTCC (NM_199454.3).
Identifiers: ClinVar variation 2430889 (VCV002430889.1), dbSNP rs879729029, ClinGen allele CA521015624.